The following is an entry in ClinVar:

NM_001358263.1(HK1):c.2T>C (p.Met1Thr)

Gene: HK1 (hexokinase 1; plus strand). Cytogenetic location: 10q22.1.
Variant type: single nucleotide variant.
Coding change: c.2T>C on transcript NM_001358263.1 (MANE Plus Clinical); coding-DNA position 2, T replaced by C.
Protein change: p.Met1Thr; changes the start codon (methionine 1).
Molecular consequence: missense variant, initiator codon variant. On other transcripts: 5 prime UTR variant (1).
Genome position (GRCh38, 1-based): chr10:69,288,745, T>C. VCF-style: chr10-69288745-T-C. GRCh37 (hg19) VCF-style: chr10-71048501-T-C.
Other names: c.2T>C, p.Met1Thr (NM_033497.3, NM_033498.3, NM_001322364.2 and 1 more transcripts); c.-140T>C (NM_033500.2); short protein forms M1T.
Identifiers: ClinVar variation 4057299 (VCV004057299.1).

ClinVar aggregate classification (germline): Likely pathogenic (1 of 4 stars; one submission).

Conditions:
Charcot-Marie-Tooth disease type 4G. Also called: CHARCOT-MARIE-TOOTH NEUROPATHY, TYPE 4G; Neuropathy, hereditary motor and sensory, Russe type; CHARCOT-MARIE-TOOTH DISEASE, DEMYELINATING, TYPE 4G. Identifiers: Orphanet 99953, MedGen C1854449, MONDO:0011534, OMIM 605285.

gnomAD v4.1: 1 of 1,613,860 alleles (0.000062%); highest among the groups gnomAD compares: South Asian, 0.0011%; no homozygotes.

Submission:

Diagnostics Services (NGS), CSIR - Centre For Cellular And Molecular Biology
Classification: Likely pathogenic for Charcot-Marie-Tooth disease type 4G. Last evaluated: 2025-05-13. Review status: criteria provided, single submitter. Criteria: ACMG Guidelines, 2015. Collection method: clinical testing. Allele origin: germline. Affected: yes. Observed: 1 variant allele, 1 homozygote.
Comment: The c.2T>C variant is not present in publicly available population databases like 1000 Genomes, EVS, gnomAD, Indian Exome Database or our internal database. This variant has neither been published in literature in individuals affected with HK1-related conditions nor reported to the clinical databases like Human Genome Mutation Database (HGMD), ClinVar or OMIM, in any affected individuals. In-silico pathogenicity prediction programs like SIFT, Polyphen-2, MutationTaster2021, CADD, Franklin, Varsome etc., predicted this variant to be likely deleterious, however these predictions were not confirmed by published functional studies. Same amino acid change with different alleles (c.1A>T, c.1A>G) has been reported to the ClinVar database as ‘likely pathogenic’. This variant causes loss of the start codon of the wild-type transcript of the gene.